The following is an entry in ClinVar:

ClinVar aggregate classification (germline): Uncertain significance. Review status: criteria provided, multiple submitters, no conflicts (2 of 4 stars). 2 submissions from 2 submitters: Uncertain significance (2). Last evaluated 2026-01-12.

Conditions:
Familial sleep-related hypermotor epilepsy. Also called: Autosomal Dominant Sleep-Related Hypermotor (Hyperkinetic) Epilepsy. Identifiers: Orphanet 98784, MedGen C3696898, MONDO:0000030.
Inborn genetic diseases. Identifiers: MedGen C0950123, MeSH D030342.

Submissions (2):

Labcorp Genetics (formerly Invitae), Labcorp
Classification: Uncertain significance. Last evaluated: 2026-01-12. Review status: criteria provided, single submitter. Criteria: Invitae Variant Classification Sherloc (09022015). Collection method: clinical testing. Allele origin: germline.
Comment: This sequence change creates a premature translational stop signal (p.Trp377*) in the CHRNA2 gene. It is expected to result in an absent or disrupted protein product. However, the current clinical and genetic evidence is not sufficient to establish whether loss-of-function variants in CHRNA2 cause disease. This variant is not present in population databases (gnomAD no frequency). This variant has not been reported in the literature in individuals affected with CHRNA2-related conditions. ClinVar contains an entry for this variant (Variation ID: 1728522). In summary, the available evidence is currently insufficient to determine the role of this variant in disease. Therefore, it has been classified as a Variant of Uncertain Significance.

Ambry Genetics
Classification: Uncertain significance for Inborn genetic diseases. Last evaluated: 2017-10-27. Review status: criteria provided, single submitter. Criteria: Ambry Variant Classification Scheme 2023. Collection method: clinical testing. Allele origin: germline.
Comment: The p.W377* variant (also known as c.1131G>A), located in coding exon 5 of the CHRNA2 gene, results from a G to A substitution at nucleotide position 1131. This changes the amino acid from a tryptophan to a stop codon within coding exon 5. This alteration is expected to result in loss of function by premature protein truncation or nonsense-mediated mRNA decay. However, loss of function of CHRNA2 has not been clearly established as a mechanism of disease. Since supporting evidence is limited at this time, the clinical significance of this alteration remains unclear.

NM_000742.4(CHRNA2):c.1131G>A (p.Trp377Ter)

Gene: CHRNA2 (cholinergic receptor nicotinic alpha 2 subunit; minus strand). Cytogenetic location: 8p21.2.
Variant type: single nucleotide variant.
Coding change: c.1131G>A on transcript NM_000742.4 (MANE Select); coding-DNA position 1131, G replaced by A.
Protein change: p.Trp377Ter; replaces tryptophan 377 with a stop codon.
Molecular consequence: nonsense.
Genome position (GRCh38, 1-based): chr8:27,463,312, C>T on the plus strand (G>A on the coding strand, the complement: CHRNA2 is on the minus strand). VCF-style: chr8-27463312-C-T. GRCh37 (hg19) VCF-style: chr8-27320829-C-T.
Other names: c.1086G>A, p.Trp362Ter (NM_001282455.2); c.654G>A, p.Trp218Ter (NM_001347705.2, NM_001347706.2); c.537G>A, p.Trp179Ter (NM_001347707.2, NM_001347708.2); short protein forms W218*, W377*, W362*, W179*.
Identifiers: ClinVar variation 1728522 (VCV001728522.7), dbSNP rs2490536114, ClinGen allele CA370809405.
Genomic context (GRCh38, chr8:27,463,312, plus strand): 5'-GAGCTTCAGGCGTAGGGGGTGGCAGAGCTCCACGGGTGGTGGGGGCCGGTTCATCAGAAG[C>T]CACCGGGGCACACAGCCCAGAAGGGCCCCCCGCACCCAGTGGGGCATGGTGTGGGTGCTG-3'